The following is an entry in ClinVar:

NM_001367624.2(ZNF469):c.1A>G (p.Met1Val)

Gene: ZNF469 (zinc finger protein 469; plus strand). Cytogenetic location: 16q24.2.
Variant type: single nucleotide variant.
Coding change: c.1A>G on transcript NM_001367624.2 (MANE Select); coding-DNA position 1, A replaced by G.
Protein change: p.Met1Val; changes the start codon (methionine 1).
Molecular consequence: missense variant, initiator codon variant.
Genome position (GRCh38, 1-based): chr16:88,427,471, A>G. VCF-style: chr16-88427471-A-G. GRCh37 (hg19) VCF-style: chr16-88493879-A-G.
Other names: NM_001127464.1:c.1A>G; short protein forms M1V.
Identifiers: ClinVar variation 1310537 (VCV001310537.4), dbSNP rs1269584815, ClinGen allele CA397057094.
Genomic context (GRCh38, chr16:88,427,471, plus strand): 5'-CCCACTCCCCAGGGCCCCCCTCGGACAGCTGCGTCGTCCTAGCGCCAGGACGGAGGGGCC[A>G]TGCCTGGGGAGCGCCCCCGAGGAGCGCCGCCCCCCACCATGACTGGAGACCTGCAGCCCC-3'
Protein context (NP_001354553.1, residues 1-11): [Met1Val]PGERPRGAPP

ClinVar aggregate classification (germline): Uncertain significance (1 of 4 stars; one submission).

Allele frequency attached by ClinVar (database versions not stated): gnomAD exomes 0.00001; TOPMed 0.00002; gnomAD 0.00003 and 0.00004.

Submission:

GeneDx
Classification: Uncertain significance. Last evaluated: 2024-01-09. Review status: criteria provided, single submitter. Criteria: GeneDx Variant Classification Process June 2021. Collection method: clinical testing. Allele origin: germline. Affected: yes.
Comment: Initiation codon variant in a gene for which loss-of-function is a known mechanism of disease; however, a downstream in-frame ATG, p.Met14, could serve as an alternate initiator codon; in addition, a nearby nonsense variant (p.R7X) is observed with higher than expected frequency in population cohorts (PMID: 27535533); Has not been previously published as pathogenic or benign to our knowledge; Not observed in large population cohorts (gnomAD); This variant is associated with the following publications: (PMID: 27535533)